The following is an entry in ClinVar:

NM_001291088.2(WDR87):c.2957G>A (p.Arg986His)

Gene: WDR87 (WD repeat domain 87; minus strand). Cytogenetic location: 19q13.13.
Variant type: single nucleotide variant.
Coding change: c.2957G>A on transcript NM_001291088.2 (MANE Select); coding-DNA position 2957, G replaced by A.
Protein change: p.Arg986His; replaces arginine 986 with histidine.
Molecular consequence: missense variant.
Genome position (GRCh38, 1-based): chr19:37,892,746, C>T on the plus strand (G>A on the coding strand, the complement: WDR87 is on the minus strand). VCF-style: chr19-37892746-C-T. GRCh37 (hg19) VCF-style: chr19-38383386-C-T.
Other names: c.2840G>A, p.Arg947His (NM_031951.5); short protein forms R947H, R986H.
Identifiers: ClinVar variation 4753467 (VCV004753467.1).

ClinVar aggregate classification (germline): Uncertain significance (1 of 4 stars; one submission).

gnomAD v4.1: 26 of 1,551,638 alleles (0.0017%); highest among the groups gnomAD compares: African/African-American, 0.0041%; no homozygotes.

Submission:

Labcorp Genetics (formerly Invitae), Labcorp
Classification: Uncertain significance. Last evaluated: 2025-09-14. Review status: criteria provided, single submitter. Criteria: Invitae Variant Classification Sherloc (09022015). Collection method: clinical testing. Allele origin: germline.
Comment: This sequence change replaces arginine, which is basic and polar, with histidine, which is basic and polar, at codon 947 of the WDR87 protein (p.Arg947His). This variant is present in population databases (rs766532444, gnomAD 0.02%). This variant has not been reported in the literature in individuals affected with WDR87-related conditions. An algorithm developed to predict the effect of missense changes on protein structure and function outputs the following: PolyPhen-2: "Benign". The histidine amino acid residue is found in multiple mammalian species, which suggests that this missense change does not adversely affect protein function. In summary, the available evidence is currently insufficient to determine the role of this variant in disease. Therefore, it has been classified as a Variant of Uncertain Significance.